The following is an entry in ClinVar:

ClinVar aggregate classification (germline): Pathogenic. Review status: criteria provided, multiple submitters, no conflicts (2 of 4 stars). 2 submissions from 2 submitters: Pathogenic (2). Last evaluated 2026-01-22.

Conditions:
Sandhoff disease. Also called: GM2-GANGLIOSIDOSIS, TYPE II; HEXOSAMINIDASES A AND B DEFICIENCY; Beta-hexosaminidase-beta-subunit deficiency; GM2 gangliosidosis, type 2; Total hexosaminidase deficiency; Sandhoff-Jatzkewitz-Pilz disease. Identifiers: Orphanet 796, MedGen C0036161, MONDO:0010006, OMIM 268800.

Submissions (2):

Myriad Genetics, Inc.
Classification: Pathogenic for Sandhoff disease. Last evaluated: 2026-01-22. Review status: criteria provided, single submitter. Criteria: Myriad Autosomal Dominant, Autosomal Recessive and X-Linked Classification Criteria (2023). Collection method: clinical testing. Allele origin: unknown.
Comment: NM_000521.3(HEXB):c.1474_1477delTATGinsAA(Y492Nfs*5) is a frameshift variant classified as pathogenic in the context of Sandhoff disease. Y492Nfs*5 has not been observed in cases with relevant disease. Relevant functional assessments of this variant are not available in the literature. Y492Nfs*5 has not been observed in referenced population frequency databases. In summary, NM_000521.3(HEXB):c.1474_1477delTATGinsAA(Y492Nfs*5) is a frameshift variant in a gene where loss of function is a known mechanism of disease and is predicted to disrupt protein function. Please note: this variant was assessed in the context of healthy population screening.

Labcorp Genetics (formerly Invitae), Labcorp
Classification: Pathogenic for Sandhoff disease. Last evaluated: 2023-01-13. Review status: criteria provided, single submitter. Criteria: Invitae Variant Classification Sherloc (09022015). Collection method: clinical testing. Allele origin: germline.
Comment: This variant has not been reported in the literature in individuals affected with HEXB-related conditions. This sequence change creates a premature translational stop signal (p.Tyr492Asnfs*5) in the HEXB gene. It is expected to result in an absent or disrupted protein product. Loss-of-function variants in HEXB are known to be pathogenic (PMID: 7550345, 18758829). Information on the frequency of this variant in the gnomAD database is not available, as this variant may be reported differently in the database. For these reasons, this variant has been classified as Pathogenic.

Literature cited by the submitters: PubMed 7550345 (cited by Labcorp Genetics (formerly Invitae), Labcorp); PubMed 18758829 (cited by Labcorp Genetics (formerly Invitae), Labcorp).

NM_000521.4(HEXB):c.1474_1477delinsAA (p.Tyr492fs)

Gene: HEXB (hexosaminidase subunit beta; plus strand). Cytogenetic location: 5q13.3.
Variant type: Indel.
Coding change: c.1474_1477delinsAA on transcript NM_000521.4 (MANE Select); coding-DNA positions 1474 to 1477, TATG replaced by AA.
Protein change: p.Tyr492fs; shifts the reading frame from tyrosine 492.
Molecular consequence: frameshift variant.
Genome position (GRCh38, 1-based): chr5:74,720,484-74,720,487, TATG replaced by AA. VCF-style: chr5-74720484-TATG-AA. GRCh37 (hg19) VCF-style: chr5-74016309-TATG-AA.
Other names: c.799_802delinsAA, p.Tyr267fs (NM_001292004.2); short protein forms Y492fs, Y267fs.
Identifiers: ClinVar variation 969188 (VCV000969188.7), dbSNP rs1749803258, ClinGen allele CA1139658891.